The following is an entry in ClinVar:

NM_015634.4(KIFBP):c.874+123T>G

Gene: KIFBP (kinesin family binding protein; plus strand). Cytogenetic location: 10q22.1.
Variant type: single nucleotide variant.
Coding change: c.874+123T>G on transcript NM_015634.4 (MANE Select); 123 bases into the intron after coding-DNA position 874, T replaced by G.
Molecular consequence: intron variant.
Genome position (GRCh38, 1-based): chr10:69,009,048, T>G. VCF-style: chr10-69009048-T-G. GRCh37 (hg19) VCF-style: chr10-70768804-T-G.
Identifiers: ClinVar variation 682823 (VCV000682823.1), dbSNP rs2491016, ClinGen allele CA13342328.

ClinVar aggregate classification (germline): Benign (1 of 4 stars; one submission).

Allele frequency attached by ClinVar (database versions not stated): 1000 Genomes Project 30x 0.03826; 1000 Genomes Project 0.03954; TOPMed 0.06347; gnomAD 0.07861; gnomAD exomes 0.08641.

Submission:

GeneDx
Classification: Benign. Last evaluated: 2018-06-19. Review status: criteria provided, single submitter. Criteria: GeneDx Variant Classification (06012015). Collection method: clinical testing. Allele origin: germline. Affected: yes.
Comment: This variant is considered likely benign or benign based on one or more of the following criteria: it is a conservative change, it occurs at a poorly conserved position in the protein, it is predicted to be benign by multiple in silico algorithms, and/or has population frequency not consistent with disease.